The following is an entry in ClinVar:

ClinVar aggregate classification (germline): Pathogenic (1 of 4 stars; one submission).

Submission:

Labcorp Genetics (formerly Invitae), Labcorp
Classification: Pathogenic. Last evaluated: 2024-01-08. Review status: criteria provided, single submitter. Criteria: Invitae Variant Classification Sherloc (09022015). Collection method: clinical testing. Allele origin: unknown.
Comment: A gross deletion of the genomic region encompassing the full coding sequence of the ERCC8 gene has been identified. Loss-of-function variants in ERCC8 are known to be pathogenic (PMID: 29572252). The boundaries of this event are unknown as they extend beyond the assayed region for this gene and therefore may encompass additional genes. A similar copy number variant has been observed in individual(s) with Cockayne syndrome (PMID: 26210811). For these reasons, this variant has been classified as Pathogenic.

Literature cited by the submitters: PubMed 29572252; PubMed 26210811.

NC_000005.9:g.(?_60170442)_(60394879_?)del

Genes: ERCC8 (ERCC excision repair 8, CSA ubiquitin ligase complex subunit; minus strand), NDUFAF2 (NADH:ubiquinone oxidoreductase complex assembly factor 2; plus strand). Cytogenetic location: 5q12.1.
Variant type: Deletion.
Identifiers: ClinVar variation 3246428 (VCV003246428.1).